The following is an entry in ClinVar:

NM_000381.4(MID1):c.1425G>C (p.Glu475Asp)

Gene: MID1 (midline 1; minus strand). Cytogenetic location: Xp22.2.
Variant type: single nucleotide variant.
Coding change: c.1425G>C on transcript NM_000381.4 (MANE Select); coding-DNA position 1425, G replaced by C.
Protein change: p.Glu475Asp; replaces glutamic acid 475 with aspartic acid.
Molecular consequence: missense variant.
Genome position (GRCh38, 1-based): chrX:10,459,668, C>G on the plus strand (G>C on the coding strand, the complement: MID1 is on the minus strand). VCF-style: chrX-10459668-C-G. GRCh37 (hg19) VCF-style: chrX-10427708-C-G.
Other names: c.1425G>C, p.Glu475Asp (NM_001098624.2, NM_001193277.1, NM_001347733.2 and 1 more transcripts); c.1311G>C, p.Glu437Asp (NM_033289.2); short protein forms E475D, E437D.
Identifiers: ClinVar variation 2030758 (VCV002030758.4), dbSNP rs760952540, ClinGen allele CA412051102.

ClinVar aggregate classification (germline): Uncertain significance (1 of 4 stars; one submission).

gnomAD v4.1: 1 of 1,211,505 alleles (0.000083%); highest among the groups gnomAD compares: Non-Finnish European, 0.00011%; no homozygotes.

Submission:

Labcorp Genetics (formerly Invitae), Labcorp
Classification: Uncertain significance. Last evaluated: 2023-08-17. Review status: criteria provided, single submitter. Criteria: Invitae Variant Classification Sherloc (09022015). Collection method: clinical testing. Allele origin: germline.
Comment: This sequence change replaces glutamic acid, which is acidic and polar, with aspartic acid, which is acidic and polar, at codon 475 of the MID1 protein (p.Glu475Asp). This variant is not present in population databases (gnomAD no frequency). This variant has not been reported in the literature in individuals affected with MID1-related conditions. ClinVar contains an entry for this variant (Variation ID: 2030758). Advanced modeling of protein sequence and biophysical properties (such as structural, functional, and spatial information, amino acid conservation, physicochemical variation, residue mobility, and thermodynamic stability) performed at Invitae indicates that this missense variant is not expected to disrupt MID1 protein function. In summary, the available evidence is currently insufficient to determine the role of this variant in disease. Therefore, it has been classified as a Variant of Uncertain Significance.